The following is an entry in ClinVar:

ClinVar aggregate classification (germline): Uncertain significance. Review status: criteria provided, multiple submitters, no conflicts (2 of 4 stars). 3 submissions from 3 submitters: Uncertain significance (3). Last evaluated 2026-07-14.

Conditions:
Inborn genetic diseases. Identifiers: MedGen C0950123, MeSH D030342.
COL18A1-related disorder. Also called: COL18A1-related disorders; COL18A1-related condition.

Allele frequency attached by ClinVar (database versions not stated): gnomAD exomes below 0.00001; ExAC 0.00002; gnomAD 0.00003; TOPMed 0.00003.
gnomAD v4.1: 11 of 1,610,746 alleles (0.00068%); highest among the groups gnomAD compares: African/African-American, 0.008%; no homozygotes.

Submissions (3):

PreventionGenetics, part of Exact Sciences
Classification: Uncertain significance for COL18A1-related condition. Last evaluated: 2026-07-14. Review status: criteria provided, single submitter. Criteria: ACMG Guidelines, 2015. Collection method: clinical testing. Allele origin: germline.
Comment: The COL18A1 c.2731C>T variant is predicted to result in the amino acid substitution p.Arg911Trp. To our knowledge, this variant has not been reported in the literature. This variant is reported in 0.0065% of alleles in individuals of South Asian descent in gnomAD. This variant is also known as c.2191C>T, p.(Arg731Trp) in an alternate transcript, NM_130445. Another variant affecting the same amino acid position, c.2192G>A, p.(Arg731Gln), has been reported in an individual with inherited and/or optical nerve disorder (Table S12, Diñeiro et al. 2020. PubMed ID: 32483926). At this time, the clinical significance of this variant is uncertain due to the absence of conclusive functional and genetic evidence.

Ambry Genetics
Classification: Uncertain significance for Inborn genetic diseases. Last evaluated: 2025-12-11. Review status: criteria provided, single submitter. Criteria: Ambry Variant Classification Scheme 2023. Collection method: clinical testing. Allele origin: germline.

Labcorp Genetics (formerly Invitae), Labcorp
Classification: Uncertain significance. Last evaluated: 2022-06-20. Review status: criteria provided, single submitter. Criteria: Invitae Variant Classification Sherloc (09022015). Collection method: clinical testing. Allele origin: germline.
Comment: This sequence change replaces arginine, which is basic and polar, with tryptophan, which is neutral and slightly polar, at codon 731 of the COL18A1 protein (p.Arg731Trp). This variant is present in population databases (rs766990620, gnomAD 0.007%). This variant has not been reported in the literature in individuals affected with COL18A1-related conditions. Experimental studies and prediction algorithms are not available or were not evaluated, and the functional significance of this variant is currently unknown. In summary, the available evidence is currently insufficient to determine the role of this variant in disease. Therefore, it has been classified as a Variant of Uncertain Significance.

NM_001379500.1(COL18A1):c.2191C>T (p.Arg731Trp)

Gene: COL18A1 (collagen type XVIII alpha 1 chain; plus strand). Cytogenetic location: 21q22.3.
Variant type: single nucleotide variant.
Coding change: c.2191C>T on transcript NM_001379500.1 (MANE Select); coding-DNA position 2191, C replaced by T.
Protein change: p.Arg731Trp; replaces arginine 731 with tryptophan.
Molecular consequence: missense variant.
Genome position (GRCh38, 1-based): chr21:45,492,690, C>T. VCF-style: chr21-45492690-C-T. GRCh37 (hg19) VCF-style: chr21-46912604-C-T.
Other names: NM_130445.2:c.2191C>T; c.2731C>T, p.Arg911Trp (NM_030582.4); c.3436C>T, p.Arg1146Trp (NM_130444.3); c.2731C>T (NM_030582.3); short protein forms R1146W, R731W, R911W.
Identifiers: ClinVar variation 2177619 (VCV002177619.3), dbSNP rs766990620, ClinGen allele CA10066912.
Genomic context (GRCh38, chr21:45,492,690, plus strand): 5'-CCGGGCAGGCGCGAGGGTGCGTGATGACCCCAGCTGACGCCGTCCCTCTTTCCCCAGGGC[C>T]GGCCGGGTTTCGCAGGCTTTCCCGTGAGTAACCTGGTGCCAGAGCTGCATGCTGCCCGGC-3'
Protein context (NP_001366429.1, residues 721-741): SVLSVPGPEG[Arg731Trp]PGFAGFPGPA